The following is an entry in ClinVar:

ClinVar aggregate classification (germline): Uncertain significance. Review status: criteria provided, multiple submitters, no conflicts (2 of 4 stars). 4 submissions from 4 submitters: Uncertain significance (3). 1 of the submissions does not count toward it. Last evaluated 2024-11-05.

Conditions:
NPHP1-related disorder. Also called: NPHP1-related disorders; NPHP1-related condition.
Senior-Loken syndrome 1 (SLSN1). Also called: JUVENILE NEPHRONOPHTHISIS WITH LEBER AMAUROSIS. Identifiers: Orphanet 3156, MedGen C4551559, MONDO:0009962, OMIM 266900.
Joubert syndrome with renal defect. Also called: JOUBERT SYNDROME 4. Identifiers: Orphanet 220497, MedGen C1846790, MONDO:0012308, OMIM 609583.
Nephronophthisis 1 (NPHP1). Also called: Nephronophthisis familial juvenile. Identifiers: Orphanet 655, Orphanet 93592, MedGen C1855681, MONDO:0009728, OMIM 256100.
Nephronophthisis. Also called: Juvenile Nephronophthisis. Identifiers: Orphanet 655, MedGen C0687120, MONDO:0019005, HP:0000090.

Allele frequency attached by ClinVar (database versions not stated): ExAC 0.00003; gnomAD exomes 0.00004; TOPMed 0.00006; gnomAD 0.00007 and 0.00008.
gnomAD v4.1: 99 of 1,612,944 alleles (0.0061%); highest among the groups gnomAD compares: Non-Finnish European, 0.0064%; no homozygotes.

Submissions (4):

Labcorp Genetics (formerly Invitae), Labcorp
Classification: Uncertain significance for Nephronophthisis. Last evaluated: 2024-11-05. Review status: criteria provided, single submitter. Criteria: Invitae Variant Classification Sherloc (09022015). Collection method: clinical testing. Allele origin: germline.
Comment: This sequence change replaces arginine, which is basic and polar, with histidine, which is basic and polar, at codon 409 of the NPHP1 protein (p.Arg409His). This variant is present in population databases (rs766289967, gnomAD 0.008%). This variant has not been reported in the literature in individuals affected with NPHP1-related conditions. ClinVar contains an entry for this variant (Variation ID: 593284). Invitae Evidence Modeling of protein sequence and biophysical properties (such as structural, functional, and spatial information, amino acid conservation, physicochemical variation, residue mobility, and thermodynamic stability) indicates that this missense variant is not expected to disrupt NPHP1 protein function with a negative predictive value of 80%. In summary, the available evidence is currently insufficient to determine the role of this variant in disease. Therefore, it has been classified as a Variant of Uncertain Significance.

Fulgent Genetics
Classification: Uncertain significance for Nephronophthisis 1; Senior-Loken syndrome 1; Joubert syndrome with renal defect. Last evaluated: 2021-10-11. Review status: criteria provided, single submitter. Criteria: ACMG Guidelines, 2015. Collection method: clinical testing. Allele origin: unknown.

Eurofins Ntd Llc (ga)
Classification: Uncertain significance. Last evaluated: 2017-07-19. Review status: criteria provided, single submitter. Criteria: EGL Classification Definitions 2015. Collection method: clinical testing. Allele origin: germline. Observed: 1 variant allele, 1 heterozygote.

PreventionGenetics, part of Exact Sciences
Classification: Uncertain significance for NPHP1-related condition. Last evaluated: 2024-09-10. Review status: no assertion criteria provided. Collection method: clinical testing. Allele origin: germline. Not counted in ClinVar's aggregate classification.
Comment: The NPHP1 c.1226G>A variant is predicted to result in the amino acid substitution p.Arg409His. To our knowledge, this variant has not been reported in the literature. This variant is reported in 0.010% of alleles in individuals of East Asian descent in gnomAD. At this time, the clinical significance of this variant is uncertain due to the absence of conclusive functional and genetic evidence.

NM_001128178.3(NPHP1):c.1058G>A (p.Arg353His)

Gene: NPHP1 (nephrocystin 1; minus strand). Cytogenetic location: 2q13.
Variant type: single nucleotide variant.
Coding change: c.1058G>A on transcript NM_001128178.3 (MANE Select); coding-DNA position 1058, G replaced by A.
Protein change: p.Arg353His; replaces arginine 353 with histidine.
Molecular consequence: missense variant.
Genome position (GRCh38, 1-based): chr2:110,160,152, C>T on the plus strand (G>A on the coding strand, the complement: NPHP1 is on the minus strand). VCF-style: chr2-110160152-C-T. GRCh37 (hg19) VCF-style: chr2-110917729-C-T.
Other names: c.1226G>A, p.Arg409His (NM_000272.5); c.869G>A, p.Arg290His (NM_001128179.3); c.1055G>A, p.Arg352His (NM_001374256.1); c.1058G>A, p.Arg353His (NM_001374257.1); c.1223G>A, p.Arg408His (NM_207181.4); short protein forms R409H, R290H, R353H, R408H, R352H.
Identifiers: ClinVar variation 593284 (VCV000593284.12), dbSNP rs766289967, ClinGen allele CA1827140.
Genomic context (GRCh38, chr2:110,160,152, plus strand): 5'-CTAGTATGAATTGATTTACTTCTCAGTAACCTTACCTTATTACCATCAAATAGACAGAGG[C>T]GTACATGTCTGCTGAGAACCTGTATGCTCATTCCTGGAAGAGGAATCATTTTACAGCTCC-3'
Protein context (NP_001121650.1, residues 343-363): MSIQVLSRHV[Arg353His]LCLFDGNKVL